The following is an entry in ClinVar:

NM_001875.5(CPS1):c.2600T>C (p.Ile867Thr)

Gene: CPS1 (carbamoyl-phosphate synthase 1; plus strand). Cytogenetic location: 2q34.
Variant type: single nucleotide variant.
Coding change: c.2600T>C on transcript NM_001875.5 (MANE Select); coding-DNA position 2600, T replaced by C.
Protein change: p.Ile867Thr; replaces isoleucine 867 with threonine.
Molecular consequence: missense variant. On other transcripts: non-coding transcript variant (2).
Genome position (GRCh38, 1-based): chr2:210,616,454, T>C. VCF-style: chr2-210616454-T-C. GRCh37 (hg19) VCF-style: chr2-211481178-T-C.
Other names: p.Ile867Thr; c.2600T>C, p.Ile867Thr (NM_001122633.3, NM_001369257.1); c.2633T>C, p.Ile878Thr (NM_001369256.1); short protein forms I867T, I878T.
Identifiers: ClinVar variation 3237492 (VCV003237492.3), dbSNP rs372643229.

ClinVar aggregate classification (germline): Uncertain significance. Review status: criteria provided, multiple submitters, no conflicts (2 of 4 stars). 3 submissions from 3 submitters: Uncertain significance (3). Last evaluated 2025-05-27.

Conditions:
Congenital hyperammonemia, type I. Also called: CPS I DEFICIENCY; Carbamoyl phosphate synthetase 1 deficiency; Hyperammonemia due to carbamoyl phosphate synthetase 1 deficiency; CPS 1 deficiency; Carbamyl phosphate synthetase (CPS) deficiency; Carbamoyl phosphate synthetase I deficiency disease. Identifiers: Orphanet 147, MedGen C4082171, MONDO:0009376, OMIM 237300.

Allele frequency attached by ClinVar (database versions not stated): ExAC 0.00003; gnomAD exomes 0.00003; TOPMed 0.00004; gnomAD 0.00005; ESP Exome Variant Server 0.00008.
gnomAD v4.1: 43 of 1,612,092 alleles (0.0027%); highest among the groups gnomAD compares: African/African-American, 0.011%; no homozygotes.

Submissions (3):

Mayo Clinic Laboratories, Mayo Clinic
Classification: Uncertain significance. Last evaluated: 2025-05-27. Review status: criteria provided, single submitter. Criteria: ACMG Guidelines, 2015. Collection method: clinical testing. Allele origin: germline. Observed: 1 variant allele.
Comment: PP3_strong, PM2_supporting

Labcorp Genetics (formerly Invitae), Labcorp
Classification: Uncertain significance for Congenital hyperammonemia, type I. Last evaluated: 2024-12-31. Review status: criteria provided, single submitter. Criteria: Invitae Variant Classification Sherloc (09022015). Collection method: clinical testing. Allele origin: germline.
Comment: This sequence change replaces isoleucine, which is neutral and non-polar, with threonine, which is neutral and polar, at codon 867 of the CPS1 protein (p.Ile867Thr). This variant is present in population databases (rs372643229, gnomAD 0.01%). This variant has not been reported in the literature in individuals affected with CPS1-related conditions. ClinVar contains an entry for this variant (Variation ID: 3237492). Invitae Evidence Modeling of protein sequence and biophysical properties (such as structural, functional, and spatial information, amino acid conservation, physicochemical variation, residue mobility, and thermodynamic stability) has been performed for this missense variant. However, the output from this modeling did not meet the statistical confidence thresholds required to predict the impact of this variant on CPS1 protein function. In summary, the available evidence is currently insufficient to determine the role of this variant in disease. Therefore, it has been classified as a Variant of Uncertain Significance.

Baylor Genetics
Classification: Uncertain significance for Congenital hyperammonemia, type I. Last evaluated: 2024-03-06. Review status: criteria provided, single submitter. Criteria: ACMG Guidelines, 2015. Collection method: clinical testing. Allele origin: unknown.